The following is an entry in ClinVar:

NM_000540.3(RYR1):c.2449C>T (p.Arg817Ter)

Gene: RYR1 (ryanodine receptor 1; plus strand). Cytogenetic location: 19q13.2.
Variant type: single nucleotide variant.
Coding change: c.2449C>T on transcript NM_000540.3 (MANE Select); coding-DNA position 2449, C replaced by T.
Protein change: p.Arg817Ter; replaces arginine 817 with a stop codon.
Molecular consequence: nonsense.
Genome position (GRCh38, 1-based): chr19:38,460,463, C>T. VCF-style: chr19-38460463-C-T. GRCh37 (hg19) VCF-style: chr19-38951103-C-T.
Other names: c.2449C>T, p.Arg817Ter (NM_001042723.2); short protein forms R817*.
Identifiers: ClinVar variation 2168951 (VCV002168951.5), dbSNP rs150633775, ClinGen allele CA063249.

ClinVar aggregate classification (germline): Pathogenic/Likely pathogenic. Review status: criteria provided, multiple submitters, no conflicts (2 of 4 stars). 2 submissions from 2 submitters: Pathogenic (1); Likely pathogenic (1). Last evaluated 2024-06-15.

Conditions:
Malignant hyperthermia, susceptibility to, 1 (MHS1). Also called: RYR1-Related Malignant Hyperthermia Susceptibility; Malignant hyperthermia suceptibility 1; Anesthesia related hyperthermia; Malignant hyperpyrexia; Fulminating hyperpyrexia; Pharmacogenic myopathy. Identifiers: Orphanet 423, MedGen C2930980, MONDO:0007783, OMIM 145600.
Central core myopathy (CMYO1A). Also called: CONGENITAL MYOPATHY 1A, AUTOSOMAL DOMINANT, WITH SUSCEPTIBILITY TO MALIGNANT HYPERTHERMIA; Central core disease; Myopathy, central fibrillar. Identifiers: Orphanet 597, MedGen C5830701, MONDO:0007294, OMIM 117000.
Congenital multicore myopathy with external ophthalmoplegia (CMYO1B). Also called: Congenital myopathy 1B, autosomal recessive; Minicore myopathy; MULTIMINICORE DISEASE WITH EXTERNAL OPHTHALMOPLEGIA; Minicore myopathy with external ophthalmoplegia; MULTICORE MYOPATHY. Identifiers: Orphanet 598, Orphanet 98905, MedGen C1850674, MONDO:0009712, OMIM 255320, HP:0003789.
King Denborough syndrome (KDS). Identifiers: MedGen C1840365, MONDO:0020485, OMIM 619542.
RYR1-related disorder. Also called: RYR1-related condition; RYR1-related disorders. Identifiers: MedGen CN239331.

Allele frequency attached by ClinVar (database versions not stated): ExAC 0.00001; gnomAD 0.00001; 1000 Genomes Project 30x 0.00016; 1000 Genomes Project 0.00020.

Submissions (2):

Fulgent Genetics
Classification: Likely pathogenic for Central core myopathy; Malignant hyperthermia, susceptibility to, 1; Congenital multicore myopathy with external ophthalmoplegia; King Denborough syndrome. Last evaluated: 2024-06-15. Review status: criteria provided, single submitter. Criteria: ACMG Guidelines, 2015. Collection method: clinical testing. Allele origin: germline.

Labcorp Genetics (formerly Invitae), Labcorp
Classification: Pathogenic for RYR1-related disorder. Last evaluated: 2023-06-14. Review status: criteria provided, single submitter. Criteria: Invitae Variant Classification Sherloc (09022015). Collection method: clinical testing. Allele origin: germline.
Comment: This variant is present in population databases (rs150633775, gnomAD 0.006%). This variant has not been reported in the literature in individuals affected with RYR1-related conditions. ClinVar contains an entry for this variant (Variation ID: 2168951). For these reasons, this variant has been classified as Pathogenic. This sequence change creates a premature translational stop signal (p.Arg817*) in the RYR1 gene. It is expected to result in an absent or disrupted protein product. Loss-of-function variants in RYR1 are known to be pathogenic (PMID: 23919265, 25960145, 28818389, 30611313).

Literature cited by the submitters: PubMed 23919265 (cited by Labcorp Genetics (formerly Invitae), Labcorp); PubMed 25960145 (cited by Labcorp Genetics (formerly Invitae), Labcorp); PubMed 28818389 (cited by Labcorp Genetics (formerly Invitae), Labcorp); PubMed 30611313 (cited by Labcorp Genetics (formerly Invitae), Labcorp).